The following is an entry in ClinVar:

ClinVar aggregate classification (germline): Likely benign. Review status: criteria provided, multiple submitters, no conflicts (2 of 4 stars). 4 submissions from 4 submitters: Likely benign (3). 1 of the submissions does not count toward it. Last evaluated 2025-08-27.

Conditions:
SLC7A14-related disorder. Also called: SLC7A14-related condition.

Allele frequency attached by ClinVar (database versions not stated): gnomAD exomes 0.00006 and 0.00019; ExAC 0.00023; 1000 Genomes Project 30x 0.00078; gnomAD 0.00085 and 0.00095; TOPMed 0.00096; 1000 Genomes Project 0.00100; ESP Exome Variant Server 0.00100.
gnomAD v4.1: 212 of 1,614,182 alleles (0.013%); highest among the groups gnomAD compares: African/African-American, 0.25%; no homozygotes.

Submissions (4):

Labcorp Genetics (formerly Invitae), Labcorp
Classification: Likely benign. Last evaluated: 2025-08-27. Review status: criteria provided, single submitter. Criteria: Invitae Variant Classification Sherloc (09022015). Collection method: clinical testing. Allele origin: germline.

Blueprint Genetics
Classification: Likely benign. Last evaluated: 2024-10-18. Review status: criteria provided, single submitter. Criteria: ACMG Guidelines, 2015. Collection method: clinical testing. Allele origin: germline.

Breakthrough Genomics
Classification: Likely benign. Review status: criteria provided, single submitter. Criteria: ACMG Guidelines, 2015. Collection method: not provided. Allele origin: germline. Inheritance: Autosomal recessive inheritance. Affected: yes.

PreventionGenetics, part of Exact Sciences
Classification: Likely benign for SLC7A14-related condition. Last evaluated: 2019-11-19. Review status: no assertion criteria provided. Collection method: clinical testing. Allele origin: germline. Not counted in ClinVar's aggregate classification.
Comment: This variant is classified as likely benign based on ACMG/AMP sequence variant interpretation guidelines (Richards et al. 2015 PMID: 25741868, with internal and published modifications).

NM_020949.3(SLC7A14):c.714G>C (p.Gly238=)

Genes: SLC7A14 (solute carrier family 7 member 14; minus strand), SLC7A14-AS1 (SLC7A14 antisense RNA 1; plus strand). Cytogenetic location: 3q26.2.
Variant type: single nucleotide variant.
Coding change: c.714G>C on transcript NM_020949.3 (MANE Select); coding-DNA position 714, G replaced by C.
Protein change: p.Gly238=; no amino-acid change (glycine 238 retained).
Molecular consequence: synonymous variant.
Genome position (GRCh38, 1-based): chr3:170,498,712, C>G on the plus strand (G>C on the coding strand, the complement: SLC7A14 is on the minus strand). VCF-style: chr3-170498712-C-G. GRCh37 (hg19) VCF-style: chr3-170216501-C-G.
Identifiers: ClinVar variation 740482 (VCV000740482.15), dbSNP rs61740370, ClinGen allele CA2701848.
Genomic context (GRCh38, chr3:170,498,712, plus strand): 5'-TTGGAACAAACTTACCCCTGACCAGCCGTGGGGCAAGAACTGGCCCTCCGCCCAGTATTT[C>G]CCATTGATGAAGAAGAGGCCTGCGATCATGATGAACACCCATACTGCCAGGTTCAGCACA-3'
Protein context (NP_066000.2, residues 228-248): IMIAGLFFIN[Gly238=]KYWAEGQFLP